The following is an entry in ClinVar:

ClinVar aggregate classification (germline): Uncertain significance (1 of 4 stars; one submission).

Conditions:
Immunodeficiency, common variable, 7. Identifiers: Orphanet 1572, Orphanet 696894, MedGen C3542922, MONDO:0013862, OMIM 614699.

Allele frequency attached by ClinVar (database versions not stated): gnomAD exomes 0.00014 and 0.00007; ExAC 0.00020; gnomAD 0.00005 and 0.00003; TOPMed 0.00005; ESP Exome Variant Server 0.00008.
gnomAD v4.1: 117 of 1,613,886 alleles (0.0072%); highest among the groups gnomAD compares: South Asian, 0.085%; 2 homozygotes.

Submission:

Labcorp Genetics (formerly Invitae), Labcorp
Classification: Uncertain significance for Immunodeficiency, common variable, 7. Last evaluated: 2022-09-07. Review status: criteria provided, single submitter. Criteria: Invitae Variant Classification Sherloc (09022015). Collection method: clinical testing. Allele origin: germline.
Comment: This sequence change replaces proline, which is neutral and non-polar, with leucine, which is neutral and non-polar, at codon 222 of the CR2 protein (p.Pro222Leu). The frequency data for this variant in the population databases is considered unreliable, as metrics indicate poor data quality at this position in the gnomAD database. This variant has not been reported in the literature in individuals affected with CR2-related conditions. ClinVar contains an entry for this variant (Variation ID: 663094). Algorithms developed to predict the effect of missense changes on protein structure and function output the following: SIFT: "Tolerated"; PolyPhen-2: "Benign"; Align-GVGD: "Class C0". The leucine amino acid residue is found in multiple mammalian species, which suggests that this missense change does not adversely affect protein function. In summary, the available evidence is currently insufficient to determine the role of this variant in disease. Therefore, it has been classified as a Variant of Uncertain Significance.

NM_001006658.3(CR2):c.665C>T (p.Pro222Leu)

Gene: CR2 (complement C3d receptor 2; plus strand). Cytogenetic location: 1q32.2.
Variant type: single nucleotide variant.
Coding change: c.665C>T on transcript NM_001006658.3 (MANE Select); coding-DNA position 665, C replaced by T.
Protein change: p.Pro222Leu; replaces proline 222 with leucine.
Molecular consequence: missense variant.
Genome position (GRCh38, 1-based): chr1:207,468,830, C>T. VCF-style: chr1-207468830-C-T. GRCh37 (hg19) VCF-style: chr1-207642175-C-T.
Other names: c.665C>T, p.Pro222Leu (NM_001877.5); short protein forms P222L.
Identifiers: ClinVar variation 663094 (VCV000663094.6), dbSNP rs371733599, ClinGen allele CA1368505.